The following is an entry in ClinVar:

ClinVar aggregate classification (germline): Likely pathogenic (1 of 4 stars; one submission).

Submission:

Dasa
Classification: Likely pathogenic. Last evaluated: 2025-01-10. Review status: criteria provided, single submitter. Criteria: DASA Assertion Criteria. Collection method: clinical testing. Allele origin: germline.
Comment: NM_000104.4(CYP1B1):c.1149del (p.Phe384Serfs*44) is a frameshift variant in CYP1B1 predicted to alter the reading frame and introduce a premature termination codon and is predicted to result in an absent or altered protein product. Loss of function is an established disease mechanism for CYP1B1-associated disorders. Also, this variant is absent from population databases. Based on the currently available evidence, this variant is classified as likely pathogenic.

NM_000104.4(CYP1B1):c.1149del (p.Phe384fs)

Gene: CYP1B1 (cytochrome P450 family 1 subfamily B member 1; minus strand). Cytogenetic location: 2p22.2.
Variant type: Deletion.
Coding change: c.1149del on transcript NM_000104.4 (MANE Select); coding-DNA position 1149, one base deleted (C; older notation c.1149delC).
Protein change: p.Phe384fs; shifts the reading frame from phenylalanine 384.
Molecular consequence: frameshift variant.
Genome position (GRCh38, 1-based): chr2:38,071,205, G deleted on the plus strand (C on the coding strand, the reverse complement: CYP1B1 is on the minus strand); the first of 2 consecutive G bases (chr2:38,071,205-38,071,206); deleting either gives the same sequence. VCF-style (leftmost placement, unchanged base first): chr2-38071204-AG-A. GRCh37 (hg19) VCF-style: chr2-38298347-AG-A.
Other names: short protein forms F384fs.
Identifiers: ClinVar variation 4886457 (VCV004886457.2).